The following is an entry in ClinVar:

ClinVar aggregate classification (germline): Uncertain significance (1 of 4 stars; one submission).

Submission:

GeneDx
Classification: Uncertain significance. Last evaluated: 2024-01-03. Review status: criteria provided, single submitter. Criteria: GeneDx Variant Classification Process June 2021. Collection method: clinical testing. Allele origin: germline. Affected: yes.
Comment: Not observed at significant frequency in large population cohorts (gnomAD); In silico analysis supports that this missense variant has a deleterious effect on protein structure/function; Has not been previously published as pathogenic or benign to our knowledge

NM_017649.5(CNNM2):c.352A>T (p.Ile118Phe)

Gene: CNNM2 (cyclin and CBS domain divalent metal cation transport mediator 2; plus strand). Cytogenetic location: 10q24.32.
Variant type: single nucleotide variant.
Coding change: c.352A>T on transcript NM_017649.5 (MANE Select); coding-DNA position 352, A replaced by T.
Protein change: p.Ile118Phe; replaces isoleucine 118 with phenylalanine.
Molecular consequence: missense variant.
Genome position (GRCh38, 1-based): chr10:102,918,832, A>T. VCF-style: chr10-102918832-A-T. GRCh37 (hg19) VCF-style: chr10-104678589-A-T.
Other names: c.352A>T, p.Ile118Phe (NM_199076.3, NM_199077.3); short protein forms I118F.
Identifiers: ClinVar variation 3370046 (VCV003370046.1).